The following is an entry in ClinVar:

ClinVar aggregate classification (germline): Uncertain significance. Review status: criteria provided, multiple submitters, no conflicts (2 of 4 stars). 2 submissions from 2 submitters: Uncertain significance (2). Last evaluated 2024-04-10.

Allele frequency attached by ClinVar (database versions not stated): gnomAD exomes below 0.00001; TOPMed 0.00003; gnomAD 0.00004.
gnomAD v4.1: 9 of 1,613,758 alleles (0.00056%); highest among the groups gnomAD compares: African/African-American, 0.012%; no homozygotes.

Submissions (2):

Women's Health and Genetics/Laboratory Corporation of America, LabCorp
Classification: Uncertain significance. Last evaluated: 2024-04-10. Review status: criteria provided, single submitter. Criteria: LabCorp Variant Classification Summary - May 2015. Collection method: clinical testing. Allele origin: germline.

Labcorp Genetics (formerly Invitae), Labcorp
Classification: Uncertain significance. Last evaluated: 2022-07-25. Review status: criteria provided, single submitter. Criteria: Invitae Variant Classification Sherloc (09022015). Collection method: clinical testing. Allele origin: germline.
Comment: This sequence change replaces methionine, which is neutral and non-polar, with valine, which is neutral and non-polar, at codon 425 of the OCA2 protein (p.Met425Val). This variant is present in population databases (no rsID available, gnomAD 0.02%). This variant has not been reported in the literature in individuals affected with OCA2-related conditions. Algorithms developed to predict the effect of missense changes on protein structure and function are either unavailable or do not agree on the potential impact of this missense change (SIFT: "Deleterious"; PolyPhen-2: "Possibly Damaging"; Align-GVGD: "Class C0"). In summary, the available evidence is currently insufficient to determine the role of this variant in disease. Therefore, it has been classified as a Variant of Uncertain Significance.

NM_000275.3(OCA2):c.1273A>G (p.Met425Val)

Gene: OCA2 (OCA2 melanosomal transmembrane protein; minus strand). Cytogenetic location: 15q13.1.
Variant type: single nucleotide variant.
Coding change: c.1273A>G on transcript NM_000275.3 (MANE Select); coding-DNA position 1273, A replaced by G.
Protein change: p.Met425Val; replaces methionine 425 with valine.
Molecular consequence: missense variant.
Genome position (GRCh38, 1-based): chr15:27,985,155, T>C on the plus strand (A>G on the coding strand, the complement: OCA2 is on the minus strand). VCF-style: chr15-27985155-T-C. GRCh37 (hg19) VCF-style: chr15-28230301-T-C.
Other names: c.1201A>G, p.Met401Val (NM_001300984.2); short protein forms M425V, M401V.
Identifiers: ClinVar variation 1497912 (VCV001497912.4), dbSNP rs201484597, ClinGen allele CA267891252.